The following is an entry in ClinVar:

NM_004360.5(CDH1):c.1624A>T (p.Ile542Phe)

Gene: CDH1 (cadherin 1; plus strand). Cytogenetic location: 16q22.1.
Variant type: single nucleotide variant.
Coding change: c.1624A>T on transcript NM_004360.5 (MANE Select); coding-DNA position 1624, A replaced by T.
Protein change: p.Ile542Phe; replaces isoleucine 542 with phenylalanine.
Molecular consequence: missense variant. On other transcripts: intron variant (1).
Genome position (GRCh38, 1-based): chr16:68,819,338, A>T. VCF-style: chr16-68819338-A-T. GRCh37 (hg19) VCF-style: chr16-68853241-A-T.
Other names: c.1441A>T, p.Ile481Phe (NM_001317184.2); c.76A>T, p.Ile26Phe (NM_001317185.2); c.-254-2663A>T (NM_001317186.2); short protein forms I481F, I542F, I26F.
Identifiers: ClinVar variation 5033983 (VCV005033983.1).

ClinVar aggregate classification (germline): Uncertain significance (1 of 4 stars; one submission).

Conditions:
Hereditary cancer-predisposing syndrome. Also called: Neoplastic Syndromes, Hereditary; Tumor predisposition; Hereditary neoplastic syndrome; Hereditary Cancer Syndrome. Identifiers: Orphanet 140162, MedGen C0027672, MeSH D009386, MONDO:0015356.

Submission:

Ambry Genetics
Classification: Uncertain significance for Hereditary cancer-predisposing syndrome. Last evaluated: 2026-07-07. Review status: criteria provided, single submitter. Criteria: Ambry Variant Classification Scheme 2023. Collection method: clinical testing. Allele origin: germline.
Comment: The p.I542F variant (also known as c.1624A>T), located in coding exon 11 of the CDH1 gene, results from an A to T substitution at nucleotide position 1624. The isoleucine at codon 542 is replaced by phenylalanine, an amino acid with highly similar properties. This amino acid position is conserved. In addition, this alteration is predicted to be deleterious by in silico analysis. Based on the available evidence, the clinical significance of this variant remains unclear.